The following is an entry in ClinVar:

NM_019109.5(ALG1):c.867C>T (p.Asp289=)

Gene: ALG1 (ALG1 chitobiosyldiphosphodolichol beta-mannosyltransferase; plus strand). Cytogenetic location: 16p13.3.
Variant type: single nucleotide variant.
Coding change: c.867C>T on transcript NM_019109.5 (MANE Select); coding-DNA position 867, C replaced by T.
Protein change: p.Asp289=; no amino-acid change (aspartic acid 289 retained).
Molecular consequence: synonymous variant.
Genome position (GRCh38, 1-based): chr16:5,079,068, C>T. VCF-style: chr16-5079068-C-T. GRCh37 (hg19) VCF-style: chr16-5129069-C-T.
Other names: c.534C>T, p.Asp178= (NM_001330504.2).
Identifiers: ClinVar variation 382580 (VCV000382580.17), dbSNP rs144029725, ClinGen allele CA7890069.

ClinVar aggregate classification (germline): Likely benign. Review status: criteria provided, multiple submitters, no conflicts (2 of 4 stars). 4 submissions from 4 submitters: Likely benign (3). 1 of the submissions does not count toward it. Last evaluated 2026-01-26.

Conditions:
ALG1-related disorder. Also called: ALG1-related condition.
ALG1-congenital disorder of glycosylation. Also called: CDG Ik; CONGENITAL DISORDER OF GLYCOSYLATION, TYPE Ik; ALG1-CDG. Identifiers: Orphanet 79327, MedGen C2931005, MONDO:0012052, OMIM 608540.

Allele frequency attached by ClinVar (database versions not stated): gnomAD exomes 0.00056; ExAC 0.00071; 1000 Genomes Project 30x 0.00219; 1000 Genomes Project 0.00220; gnomAD 0.00248 and 0.00265; TOPMed 0.00270; ESP Exome Variant Server 0.00278.
gnomAD v4.1: 796 of 1,600,082 alleles (0.05%); highest among the groups gnomAD compares: African/African-American, 0.82%; 4 homozygotes.

Submissions (4):

Labcorp Genetics (formerly Invitae), Labcorp
Classification: Likely benign for ALG1-congenital disorder of glycosylation. Last evaluated: 2026-01-26. Review status: criteria provided, single submitter. Criteria: Invitae Variant Classification Sherloc (09022015). Collection method: clinical testing. Allele origin: germline.

Fulgent Genetics
Classification: Likely benign for ALG1-congenital disorder of glycosylation. Last evaluated: 2021-07-19. Review status: criteria provided, single submitter. Criteria: ACMG Guidelines, 2015. Collection method: clinical testing. Allele origin: unknown.

GeneDx
Classification: Likely benign. Last evaluated: 2018-06-11. Review status: criteria provided, single submitter. Criteria: GeneDx Variant Classification Process June 2021. Collection method: clinical testing. Allele origin: germline. Affected: yes.

PreventionGenetics, part of Exact Sciences
Classification: Likely benign for ALG1-related condition. Last evaluated: 2019-05-20. Review status: no assertion criteria provided. Collection method: clinical testing. Allele origin: germline. Not counted in ClinVar's aggregate classification.
Comment: This variant is classified as likely benign based on ACMG/AMP sequence variant interpretation guidelines (Richards et al. 2015 PMID: 25741868, with internal and published modifications).